The following is an entry in ClinVar:

ClinVar aggregate classification (germline): Conflicting classifications of pathogenicity. Review status: criteria provided, conflicting classifications (1 of 4 stars). 3 submissions from 3 submitters: Uncertain significance (1); Likely benign (1). 1 of the submissions does not count toward it. Last evaluated 2025-12-06.

Conditions:
FRAS1-related disorder. Also called: FRAS1-related condition.
Fraser syndrome 1 (FRASRS1). Also called: CRYPTOPHTHALMOS WITH OTHER MALFORMATIONS. Identifiers: Orphanet 2052, MedGen C4551480, MONDO:0054737, OMIM 219000.

Allele frequency attached by ClinVar (database versions not stated): ExAC 0.00003; gnomAD exomes 0.00004 and 0.00008; gnomAD 0.00005 and 0.00006; TOPMed 0.00006.
gnomAD v4.1: 124 of 1,613,716 alleles (0.0077%); highest among the groups gnomAD compares: Non-Finnish European, 0.0097%; no homozygotes.

Submissions (3):

Labcorp Genetics (formerly Invitae), Labcorp
Classification: Likely benign. Last evaluated: 2025-12-06. Review status: criteria provided, single submitter. Criteria: Invitae Variant Classification Sherloc (09022015). Collection method: clinical testing. Allele origin: germline.

Illumina Laboratory Services, Illumina
Classification: Uncertain significance for Fraser syndrome 1. Last evaluated: 2018-01-13. Review status: criteria provided, single submitter. Criteria: ICSL Variant Classification Criteria 13 December 2019. Collection method: clinical testing. Allele origin: germline.

PreventionGenetics, part of Exact Sciences
Classification: Likely benign for FRAS1-related condition. Last evaluated: 2019-03-14. Review status: no assertion criteria provided. Collection method: clinical testing. Allele origin: germline. Not counted in ClinVar's aggregate classification.
Comment: This variant is classified as likely benign based on ACMG/AMP sequence variant interpretation guidelines (Richards et al. 2015 PMID: 25741868, with internal and published modifications).

NM_025074.7(FRAS1):c.8605-7C>T

Gene: FRAS1 (Fraser extracellular matrix complex subunit 1; plus strand). Cytogenetic location: 4q21.21.
Variant type: single nucleotide variant.
Coding change: c.8605-7C>T on transcript NM_025074.7 (MANE Select); 7 bases into the intron before coding-DNA position 8605, C replaced by T.
Molecular consequence: intron variant.
Genome position (GRCh38, 1-based): chr4:78,482,381, C>T. VCF-style: chr4-78482381-C-T. GRCh37 (hg19) VCF-style: chr4-79403535-C-T.
Identifiers: ClinVar variation 349772 (VCV000349772.10), dbSNP rs765550592, ClinGen allele CA2978447.